The following is an entry in ClinVar:

NM_001844.5(COL2A1):c.2193+1G>C

Gene: COL2A1 (collagen type II alpha 1 chain; minus strand). Cytogenetic location: 12q13.11.
Variant type: single nucleotide variant.
Coding change: c.2193+1G>C on transcript NM_001844.5 (MANE Select); the canonical splice donor site of the intron after coding-DNA position 2193, G replaced by C.
Molecular consequence: splice donor variant.
Genome position (GRCh38, 1-based): chr12:47,982,847, C>G on the plus strand (G>C on the coding strand, the complement: COL2A1 is on the minus strand). VCF-style: chr12-47982847-C-G. GRCh37 (hg19) VCF-style: chr12-48376630-C-G.
Other names: c.1986+1G>C (NM_033150.3).
Identifiers: ClinVar variation 4682130 (VCV004682130.1).
Genomic context (GRCh38, chr12:47,982,847, plus strand): 5'-CCCTGCTCAGTGGGACTCCCAGGCTACCACGAAGACCCCTACAGGATGCAGCCTCACTTA[C>G]TTTGGGACCATCAGTGCCAGGAGTGCCGGGGAGGCCACGGGGACCCTGGAGGCCCTGGGC-3'

ClinVar aggregate classification (germline): Likely pathogenic (1 of 4 stars; one submission).

Conditions:
Stickler syndrome. Identifiers: Orphanet 828, MedGen C0265253, MONDO:0019354.

Submission:

Cambridge Genomics Laboratory, East Genomic Laboratory Hub, NHS Genomic Medicine Service
Classification: Likely pathogenic for Stickler syndrome. Last evaluated: 2024-11-11. Review status: criteria provided, single submitter. Criteria: ACGS Best Practice Guidelines for Variant Classification in Rare Disease 2020. Collection method: clinical testing. Allele origin: germline. Affected: yes.
Comment: PVS1_Strong,PM2,PP4